The following is an entry in ClinVar:

ClinVar aggregate classification (germline): Uncertain significance. Review status: criteria provided, multiple submitters, no conflicts (2 of 4 stars). 2 submissions from 2 submitters: Uncertain significance (2). Last evaluated 2023-09-22.

Conditions:
Sclerosteosis 2 (SOST2). Identifiers: Orphanet 3152, MedGen C3280402, MONDO:0013679, OMIM 614305.
Cenani-Lenz syndactyly syndrome. Also called: SYNDACTYLY, TYPE VII; CENANI SYNDACTYLISM. Identifiers: Orphanet 3258, MedGen C1859309, MONDO:0008931, OMIM 212780.
Congenital myasthenic syndrome 17. Identifiers: Orphanet 590, MedGen C4225377, MONDO:0014578, OMIM 616304.

Allele frequency attached by ClinVar (database versions not stated): gnomAD exomes below 0.00001 and 0.00002; gnomAD 0.00002; TOPMed 0.00002; ESP Exome Variant Server 0.00008.
gnomAD v4.1: 26 of 1,613,582 alleles (0.0016%); highest among the groups gnomAD compares: Non-Finnish European, 0.0021%; no homozygotes.

Submissions (2):

Labcorp Genetics (formerly Invitae), Labcorp
Classification: Uncertain significance for Cenani-Lenz syndactyly syndrome; Sclerosteosis 2; Congenital myasthenic syndrome 17. Last evaluated: 2023-09-22. Review status: criteria provided, single submitter. Criteria: Invitae Variant Classification Sherloc (09022015). Collection method: clinical testing. Allele origin: germline.
Comment: In summary, the available evidence is currently insufficient to determine the role of this variant in disease. Therefore, it has been classified as a Variant of Uncertain Significance. Advanced modeling of protein sequence and biophysical properties (such as structural, functional, and spatial information, amino acid conservation, physicochemical variation, residue mobility, and thermodynamic stability) performed at Invitae indicates that this missense variant is not expected to disrupt LRP4 protein function. ClinVar contains an entry for this variant (Variation ID: 1521778). This variant has not been reported in the literature in individuals affected with LRP4-related conditions. This variant is present in population databases (rs367608390, gnomAD 0.0009%). This sequence change replaces glycine, which is neutral and non-polar, with alanine, which is neutral and non-polar, at codon 1729 of the LRP4 protein (p.Gly1729Ala).

Fulgent Genetics
Classification: Uncertain significance for Cenani-Lenz syndactyly syndrome; Sclerosteosis 2; Congenital myasthenic syndrome 17. Last evaluated: 2021-09-24. Review status: criteria provided, single submitter. Criteria: ACMG Guidelines, 2015. Collection method: clinical testing. Allele origin: unknown.

NM_002334.4(LRP4):c.5186G>C (p.Gly1729Ala)

Genes: LRP4 (LDL receptor related protein 4; minus strand), LRP4-AS1 (LRP4 antisense RNA 1; plus strand). Cytogenetic location: 11p11.2.
Variant type: single nucleotide variant.
Coding change: c.5186G>C on transcript NM_002334.4 (MANE Select); coding-DNA position 5186, G replaced by C.
Protein change: p.Gly1729Ala; replaces glycine 1729 with alanine.
Molecular consequence: missense variant.
Genome position (GRCh38, 1-based): chr11:46,864,505, C>G on the plus strand (G>C on the coding strand, the complement: LRP4 is on the minus strand). VCF-style: chr11-46864505-C-G. GRCh37 (hg19) VCF-style: chr11-46886056-C-G.
Other names: short protein forms G1729A.
Identifiers: ClinVar variation 1521778 (VCV001521778.6), dbSNP rs367608390, ClinGen allele CA221662235.